The following is an entry in ClinVar:

ClinVar aggregate classification (germline): Uncertain significance (1 of 4 stars; one submission).

Conditions:
Amyotrophic lateral sclerosis type 1 (ALS1). Also called: AMYOTROPHIC LATERAL SCLEROSIS 1, FAMILIAL. Identifiers: Orphanet 803, MedGen C1862939, MONDO:0007103, OMIM 105400.

Submission:

Centre for Mendelian Genomics, University Medical Centre Ljubljana
Classification: Uncertain significance for Amyotrophic lateral sclerosis type 1. Last evaluated: 2018-12-24. Review status: criteria provided, single submitter. Criteria: ACMG Guidelines, 2015. Collection method: clinical testing. Allele origin: unknown. Affected: yes.
Comment: This variant was classified as: Uncertain significance. The available evidence favors the pathogenic nature of this variant, however the currently available data is insufficient to conclusively support its pathogenic nature. Thus this variant is classified as Uncertain significance - favor pathogenic. The following ACMG criteria were applied in classifying this variant: PM2,PP3.

NM_004082.5(DCTN1):c.1732G>A (p.Val578Met)

Gene: DCTN1 (dynactin subunit 1; minus strand). Cytogenetic location: 2p13.1.
Variant type: single nucleotide variant.
Coding change: c.1732G>A on transcript NM_004082.5 (MANE Select); coding-DNA position 1732, G replaced by A.
Protein change: p.Val578Met; replaces valine 578 with methionine.
Molecular consequence: missense variant. On other transcripts: non-coding transcript variant (1).
Genome position (GRCh38, 1-based): chr2:74,368,850, C>T on the plus strand (G>A on the coding strand, the complement: DCTN1 is on the minus strand). VCF-style: chr2-74368850-C-T. GRCh37 (hg19) VCF-style: chr2-74595977-C-T.
Other names: c.1672G>A, p.Val558Met (NM_001135040.3); c.1330G>A, p.Val444Met (NM_001135041.3, NM_023019.4); c.1621G>A, p.Val541Met (NM_001190836.2); c.1711G>A, p.Val571Met (NM_001190837.2); c.1681G>A, p.Val561Met (NM_001378991.1); c.1663G>A, p.Val555Met (NM_001378992.1); short protein forms V558M, V541M, V561M, V444M, V555M, V571M, V578M.
Identifiers: ClinVar variation 930984 (VCV000930984.3), dbSNP rs1674617834, ClinGen allele CA347356000.